The following is an entry in ClinVar:

ClinVar aggregate classification (germline): Uncertain significance. Review status: criteria provided, multiple submitters, no conflicts (2 of 4 stars). 2 submissions from 2 submitters: Uncertain significance (2). Last evaluated 2026-04-19.

Conditions:
CTTNBP2-related disorder. Also called: CTTNBP2-related condition.

Submissions (2):

PreventionGenetics, part of Exact Sciences
Classification: Uncertain significance for CTTNBP2-related condition. Last evaluated: 2026-04-19. Review status: criteria provided, single submitter. Criteria: ACMG Guidelines, 2015. Collection method: clinical testing. Allele origin: germline.
Comment: The CTTNBP2 c.1024A>G variant is predicted to result in the amino acid substitution p.Lys342Glu. To our knowledge, this variant has not been reported in the literature or in a large population database (gnomAD), indicating this variant is rare. At this time, the clinical significance of this variant is uncertain due to the absence of conclusive functional and genetic evidence.

Ambry Genetics
Classification: Uncertain significance. Last evaluated: 2025-04-12. Review status: criteria provided, single submitter. Criteria: Ambry Variant Classification Scheme 2023. Collection method: clinical testing. Allele origin: germline.

NM_033427.3(CTTNBP2):c.1024A>G (p.Lys342Glu)

Gene: CTTNBP2 (cortactin binding protein 2; minus strand). Cytogenetic location: 7q31.31.
Variant type: single nucleotide variant.
Coding change: c.1024A>G on transcript NM_033427.3 (MANE Select); coding-DNA position 1024, A replaced by G.
Protein change: p.Lys342Glu; replaces lysine 342 with glutamic acid.
Molecular consequence: missense variant. On other transcripts: 5 prime UTR variant (2).
Genome position (GRCh38, 1-based): chr7:117,792,172, T>C on the plus strand (A>G on the coding strand, the complement: CTTNBP2 is on the minus strand). VCF-style: chr7-117792172-T-C. GRCh37 (hg19) VCF-style: chr7-117432226-T-C.
Other names: c.970A>G, p.Lys324Glu (NM_001363349.1); c.-911A>G (NM_001363350.1, NM_001363351.1); short protein forms K324E, K342E.
Identifiers: ClinVar variation 4008215 (VCV004008215.2).